The following is an entry in ClinVar:

NM_001018005.2(TPM1):c.421A>G (p.Met141Val)

Gene: TPM1 (tropomyosin 1; plus strand). Cytogenetic location: 15q22.2.
Variant type: single nucleotide variant.
Coding change: c.421A>G on transcript NM_001018005.2 (MANE Select); coding-DNA position 421, A replaced by G.
Protein change: p.Met141Val; replaces methionine 141 with valine.
Molecular consequence: missense variant.
Genome position (GRCh38, 1-based): chr15:63,059,609, A>G. VCF-style: chr15-63059609-A-G. GRCh37 (hg19) VCF-style: chr15-63351808-A-G.
Other names: c.421A>G, p.Met141Val (NM_000366.6, NM_001018004.2, NM_001018006.2 and 6 more transcripts); c.313A>G, p.Met105Val (NM_001018008.2, NM_001301289.2, NM_001330344.2 and 5 more transcripts); c.547A>G, p.Met183Val (NM_001365778.1); short protein forms M183V, M141V, M105V.
Identifiers: ClinVar variation 965342 (VCV000965342.11), dbSNP rs2035311298, ClinGen allele CA392722147.

ClinVar aggregate classification (germline): Uncertain significance. Review status: criteria provided, multiple submitters, no conflicts (2 of 4 stars). 2 submissions from 2 submitters: Uncertain significance (2). Last evaluated 2025-11-21.

Conditions:
Cardiovascular phenotype. Identifiers: MedGen CN230736.
Hypertrophic cardiomyopathy. Also called: HYPERTROPHIC MYOCARDIOPATHY. Identifiers: Orphanet 217569, MedGen C0007194, MeSH D002312, MONDO:0005045, HP:0001639.

Allele frequency attached by ClinVar (database versions not stated): gnomAD exomes below 0.00001.

Submissions (2):

Labcorp Genetics (formerly Invitae), Labcorp
Classification: Uncertain significance for Hypertrophic cardiomyopathy. Last evaluated: 2025-11-21. Review status: criteria provided, single submitter. Criteria: Invitae Variant Classification Sherloc (09022015). Collection method: clinical testing. Allele origin: germline.
Comment: This sequence change replaces methionine, which is neutral and non-polar, with valine, which is neutral and non-polar, at codon 141 of the TPM1 protein (p.Met141Val). This variant is not present in population databases (gnomAD no frequency). This variant has not been reported in the literature in individuals affected with TPM1-related conditions. ClinVar contains an entry for this variant (Variation ID: 965342). An algorithm developed to predict the effect of missense changes on protein structure and function (PolyPhen-2) suggests that this variant is likely to be disruptive. This variant disrupts the p.Met141 amino acid residue in TPM1. Other variant(s) that disrupt this residue have been observed in individuals with TPM1-related conditions (PMID: 31308319, 32458740, 33019804), which suggests that this may be a clinically significant amino acid residue. In summary, the available evidence is currently insufficient to determine the role of this variant in disease. Therefore, it has been classified as a Variant of Uncertain Significance.

Ambry Genetics
Classification: Uncertain significance for Cardiovascular phenotype. Last evaluated: 2020-01-03. Review status: criteria provided, single submitter. Criteria: Ambry Variant Classification Scheme 2023. Collection method: clinical testing. Allele origin: germline.
Comment: The p.M141V variant (also known as c.421A>G), located in coding exon 4 of the TPM1 gene, results from an A to G substitution at nucleotide position 421. The methionine at codon 141 is replaced by valine, an amino acid with highly similar properties. Other variants affecting this codon (c.423G>C, p.M141I and c.422T>A, p.M141K) have been reported in individuals with dilated and hypertrophic cardiomyopathy (Pugh TJ et al. Genet. Med., 2014 Aug;16:601-8; Tran Vu MT et al. Circ. J., 2019 Aug;83:1908-1916). This amino acid position is highly conserved in available vertebrate species. In addition, this alteration is predicted to be deleterious by in silico analysis. Since supporting evidence is limited at this time, the clinical significance of this alteration remains unclear.

Literature cited by the submitters: PubMed 31308319 (cited by Labcorp Genetics (formerly Invitae), Labcorp and Ambry Genetics); PubMed 32458740 (cited by Labcorp Genetics (formerly Invitae), Labcorp); PubMed 33019804 (cited by Labcorp Genetics (formerly Invitae), Labcorp); PubMed 24503780 (cited by Ambry Genetics); PubMed 27532257 (cited by Ambry Genetics).